The following is an entry in ClinVar:

NM_006017.3(PROM1):c.630+1del

Gene: PROM1 (prominin 1; minus strand). Cytogenetic location: 4p15.32.
Variant type: Deletion.
Coding change: c.630+1del on transcript NM_006017.3 (MANE Select); the canonical splice donor site of the intron after coding-DNA position 630, one base deleted (G; older notation c.630+1delG).
Molecular consequence: splice donor variant.
Genome position (GRCh38, 1-based): chr4:16,025,191, C deleted on the plus strand (G on the coding strand, the reverse complement: PROM1 is on the minus strand); the first of 2 consecutive C bases (chr4:16,025,191-16,025,192); deleting either gives the same sequence. VCF-style (leftmost placement, unchanged base first): chr4-16025190-AC-A. GRCh37 (hg19) VCF-style: chr4-16026813-AC-A.
Other names: c.603+1del (NM_001145848.2, NM_001145852.2, NM_001145847.2 and 4 more transcripts); c.630+1del (NM_001145850.2, NM_001145849.2).
Identifiers: ClinVar variation 2069469 (VCV002069469.4), dbSNP rs2530614395, ClinGen allele CA2580070885.

ClinVar aggregate classification (germline): Pathogenic (1 of 4 stars; one submission).

Submission:

Labcorp Genetics (formerly Invitae), Labcorp
Classification: Pathogenic. Last evaluated: 2023-03-17. Review status: criteria provided, single submitter. Criteria: Invitae Variant Classification Sherloc (09022015). Collection method: clinical testing. Allele origin: germline.
Comment: For these reasons, this variant has been classified as Pathogenic. This sequence change creates a premature translational stop signal (p.Glu210Aspfs*21) in the PROM1 gene. It is expected to result in an absent or disrupted protein product. Loss-of-function variants in PROM1 are known to be pathogenic (PMID: 17605048, 19718270, 24154662, 25474345). This variant is not present in population databases (gnomAD no frequency). This variant has not been reported in the literature in individuals affected with PROM1-related conditions. This variant is also known as c.630+1del. ClinVar contains an entry for this variant (Variation ID: 2069469). Algorithms developed to predict the effect of sequence changes on RNA splicing suggest that this variant may disrupt the consensus splice site.

Literature cited by the submitters: PubMed 17605048; PubMed 19718270; PubMed 24154662; PubMed 25474345.